The following is an entry in ClinVar:

ClinVar aggregate classification (germline): Likely benign. Review status: criteria provided, single submitter (1 of 4 stars). 2 submissions from 2 submitters: Likely benign (1). 1 of the submissions does not count toward it. Last evaluated 2024-11-26.

Conditions:
EHHADH-related disorder. Also called: EHHADH-related condition.

Allele frequency attached by ClinVar (database versions not stated): TOPMed 0.00009; ExAC 0.00011; gnomAD 0.00013; gnomAD exomes 0.00013; 1000 Genomes Project 0.00020; 1000 Genomes Project 30x 0.00031.
gnomAD v4.1: 206 of 1,614,088 alleles (0.013%); highest among the groups gnomAD compares: Non-Finnish European, 0.016%; 1 homozygote.

Submissions (2):

Blueprint Genetics
Classification: Likely benign. Last evaluated: 2024-11-26. Review status: criteria provided, single submitter. Criteria: ACMG Guidelines, 2015. Collection method: clinical testing. Allele origin: germline.

PreventionGenetics, part of Exact Sciences
Classification: Likely benign for EHHADH-related condition. Last evaluated: 2020-01-16. Review status: no assertion criteria provided. Collection method: clinical testing. Allele origin: germline. Not counted in ClinVar's aggregate classification.
Comment: This variant is classified as likely benign based on ACMG/AMP sequence variant interpretation guidelines (Richards et al. 2015 PMID: 25741868, with internal and published modifications).

NM_001966.4(EHHADH):c.120A>G (p.Val40=)

Gene: EHHADH (enoyl-CoA hydratase and 3-hydroxyacyl CoA dehydrogenase; minus strand). Cytogenetic location: 3q27.2.
Variant type: single nucleotide variant.
Coding change: c.120A>G on transcript NM_001966.4 (MANE Select); coding-DNA position 120, A replaced by G.
Protein change: p.Val40=; no amino-acid change (valine 40 retained).
Molecular consequence: synonymous variant. On other transcripts: 5 prime UTR variant (1).
Genome position (GRCh38, 1-based): chr3:185,248,472, T>C on the plus strand (A>G on the coding strand, the complement: EHHADH is on the minus strand). VCF-style: chr3-185248472-T-C. GRCh37 (hg19) VCF-style: chr3-184966260-T-C.
Other names: c.-169A>G (NM_001166415.2).
Identifiers: ClinVar variation 3052087 (VCV003052087.3), dbSNP rs566693656, ClinGen allele CA2739318.